The following is an entry in ClinVar:

ClinVar aggregate classification (germline): Pathogenic. Review status: criteria provided, multiple submitters, no conflicts (2 of 4 stars). 2 submissions from 2 submitters: Pathogenic (2). Last evaluated 2024-09-01.

Submissions (2):

CeGaT Center for Human Genetics Tuebingen
Classification: Pathogenic. Last evaluated: 2024-09-01. Review status: criteria provided, single submitter. Criteria: CeGaT Center For Human Genetics Tuebingen Variant Classification Criteria Version 2. Collection method: clinical testing. Allele origin: germline. Affected: yes. Observed: 1 variant allele.
Comment: CDK5RAP2: PVS1, PM2

Labcorp Genetics (formerly Invitae), Labcorp
Classification: Pathogenic. Last evaluated: 2022-08-20. Review status: criteria provided, single submitter. Criteria: Invitae Variant Classification Sherloc (09022015). Collection method: clinical testing. Allele origin: germline.
Comment: This sequence change creates a premature translational stop signal (p.Tyr1659*) in the CDK5RAP2 gene. It is expected to result in an absent or disrupted protein product. Loss-of-function variants in CDK5RAP2 are known to be pathogenic (PMID: 15793586, 20460369, 26436113). This variant is not present in population databases (gnomAD no frequency). This variant has not been reported in the literature in individuals affected with CDK5RAP2-related conditions. For these reasons, this variant has been classified as Pathogenic.

Literature cited by the submitters: PubMed 15793586 (cited by Labcorp Genetics (formerly Invitae), Labcorp); PubMed 20460369 (cited by Labcorp Genetics (formerly Invitae), Labcorp); PubMed 26436113 (cited by Labcorp Genetics (formerly Invitae), Labcorp).

NM_018249.6(CDK5RAP2):c.4977T>G (p.Tyr1659Ter)

Gene: CDK5RAP2 (CDK5 regulatory subunit associated protein 2; minus strand). Cytogenetic location: 9q33.2.
Variant type: single nucleotide variant.
Coding change: c.4977T>G on transcript NM_018249.6 (MANE Select); coding-DNA position 4977, T replaced by G.
Protein change: p.Tyr1659Ter; replaces tyrosine 1659 with a stop codon.
Molecular consequence: nonsense. On other transcripts: non-coding transcript variant (5).
Genome position (GRCh38, 1-based): chr9:120,404,100, A>C on the plus strand (T>G on the coding strand, the complement: CDK5RAP2 is on the minus strand). VCF-style: chr9-120404100-A-C. GRCh37 (hg19) VCF-style: chr9-123166378-A-C.
Other names: c.4740T>G, p.Tyr1580Ter (NM_001011649.3); c.4287T>G, p.Tyr1429Ter (NM_001272039.2); c.4878T>G, p.Tyr1626Ter (NM_001410992.1); c.4881T>G, p.Tyr1627Ter (NM_001410993.1); c.4974T>G, p.Tyr1658Ter (NM_001410994.1); short protein forms Y1429*, Y1627*, Y1659*, Y1580*, Y1626*, Y1658*.
Identifiers: ClinVar variation 1995483 (VCV001995483.18), dbSNP rs2538866175, ClinGen allele CA374709046.
Genomic context (GRCh38, chr9:120,404,100, plus strand): 5'-TTTTGGTGTCACTGCCTGGGAGGAATCAAACAGATCAAATGAATTATCACTTTCCATGGG[A>C]TATTTGTCACCATCTACAAAATGCAAAACACGAGAACTGTTAGTTTCACTGTTGTCAGCA-3'